The following is an entry in ClinVar:

NM_014159.7(SETD2):c.4847A>T (p.Asp1616Val)

Gene: SETD2 (SET domain containing 2, histone lysine methyltransferase; minus strand). Cytogenetic location: 3p21.31.
Variant type: single nucleotide variant.
Coding change: c.4847A>T on transcript NM_014159.7 (MANE Select); coding-DNA position 4847, A replaced by T.
Protein change: p.Asp1616Val; replaces aspartic acid 1616 with valine.
Molecular consequence: missense variant. On other transcripts: non-coding transcript variant (1).
Genome position (GRCh38, 1-based): chr3:47,103,416, T>A on the plus strand (A>T on the coding strand, the complement: SETD2 is on the minus strand). VCF-style: chr3-47103416-T-A. GRCh37 (hg19) VCF-style: chr3-47144906-T-A.
Other names: c.4715A>T, p.Asp1572Val (NM_001349370.3); short protein forms D1616V, D1572V.
Identifiers: ClinVar variation 420862 (VCV000420862.2), dbSNP rs1064794751, ClinGen allele CA16617975.

ClinVar aggregate classification (germline): Likely pathogenic (1 of 4 stars; one submission).

Submission:

GeneDx
Classification: Likely pathogenic. Last evaluated: 2016-03-31. Review status: criteria provided, single submitter. Criteria: GeneDx Variant Classification (06012015). Collection method: clinical testing. Allele origin: germline. Affected: yes.
Comment: The D1616V variant in the SETD2 gene has not been reported previously as a pathogenic variant, nor as a benign variant, to our knowledge. The D1616V variant was not observed in approximately 6500 individuals of European and African American ancestry in the NHLBI Exome Sequencing Project, indicating it is not a common benign variant in these populations. The D1616V variant is a non-conservative amino acid substitution, which is likely to impact secondary protein structure as these residues differ in polarity, charge, size and/or other properties. This substitution occurs at a position that is conserved across species and in silico analysis predicts this variant is probably damaging to the protein structure/function. Therefore, we interpret D1616V as a likely pathogenic variant.